The following continues an entry in ClinVar:

NM_002609.4(PDGFRB):c.85A>T (p.Ile29Phe)

Gene: PDGFRB. ClinVar aggregate classification (germline): Benign. Benign (5).

Submissions 28 to 47 of 47:

Dr. Peter K. Rogan Lab, Western University
No classification provided (evidence only). Condition: Sarcoma. Review status: no classification provided. Collection method: in vitro. Allele origin: not applicable. Functional consequence: retained intron. Not counted in ClinVar's aggregate classification.

Dr. Peter K. Rogan Lab, Western University
No classification provided (evidence only). Condition: Sarcoma. Review status: no classification provided. Collection method: in vitro. Allele origin: not applicable. Functional consequence: retained intron. Not counted in ClinVar's aggregate classification.

Dr. Peter K. Rogan Lab, Western University
No classification provided (evidence only). Condition: Sarcoma. Review status: no classification provided. Collection method: in vitro. Allele origin: not applicable. Functional consequence: retained intron. Not counted in ClinVar's aggregate classification.

Dr. Peter K. Rogan Lab, Western University
No classification provided (evidence only). Condition: Sarcoma. Review status: no classification provided. Collection method: in vitro. Allele origin: not applicable. Functional consequence: retained intron. Not counted in ClinVar's aggregate classification.

Dr. Peter K. Rogan Lab, Western University
No classification provided (evidence only). Condition: Sarcoma. Review status: no classification provided. Collection method: in vitro. Allele origin: not applicable. Functional consequence: retained intron. Not counted in ClinVar's aggregate classification.

Dr. Peter K. Rogan Lab, Western University
No classification provided (evidence only). Condition: Sarcoma. Review status: no classification provided. Collection method: in vitro. Allele origin: not applicable. Functional consequence: retained intron. Not counted in ClinVar's aggregate classification.

Dr. Peter K. Rogan Lab, Western University
No classification provided (evidence only). Condition: Nonpapillary renal cell carcinoma. Review status: no classification provided. Collection method: in vitro. Allele origin: not applicable. Functional consequence: retained intron. Not counted in ClinVar's aggregate classification.

Dr. Peter K. Rogan Lab, Western University
No classification provided (evidence only). Condition: Nonpapillary renal cell carcinoma. Review status: no classification provided. Collection method: in vitro. Allele origin: not applicable. Functional consequence: retained intron. Not counted in ClinVar's aggregate classification.

Dr. Peter K. Rogan Lab, Western University
No classification provided (evidence only). Condition: Thymoma. Review status: no classification provided. Collection method: in vitro. Allele origin: not applicable. Functional consequence: retained intron. Not counted in ClinVar's aggregate classification.

Dr. Peter K. Rogan Lab, Western University
No classification provided (evidence only). Condition: Thymoma. Review status: no classification provided. Collection method: in vitro. Allele origin: not applicable. Functional consequence: retained intron. Not counted in ClinVar's aggregate classification.

Dr. Peter K. Rogan Lab, Western University
No classification provided (evidence only). Condition: Cholangiocarcinoma. Review status: no classification provided. Collection method: in vitro. Allele origin: not applicable. Functional consequence: retained intron. Not counted in ClinVar's aggregate classification.

Dr. Peter K. Rogan Lab, Western University
No classification provided (evidence only). Condition: Uterine carcinosarcoma. Review status: no classification provided. Collection method: in vitro. Allele origin: not applicable. Functional consequence: retained intron. Not counted in ClinVar's aggregate classification.

Dr. Peter K. Rogan Lab, Western University
No classification provided (evidence only). Condition: Malignant tumor of esophagus. Review status: no classification provided. Collection method: in vitro. Allele origin: not applicable. Functional consequence: retained intron. Not counted in ClinVar's aggregate classification.

Dr. Peter K. Rogan Lab, Western University
No classification provided (evidence only). Condition: Malignant tumor of esophagus. Review status: no classification provided. Collection method: in vitro. Allele origin: not applicable. Functional consequence: retained intron. Not counted in ClinVar's aggregate classification.

Dr. Peter K. Rogan Lab, Western University
No classification provided (evidence only). Condition: Malignant tumor of esophagus. Review status: no classification provided. Collection method: in vitro. Allele origin: not applicable. Functional consequence: retained intron. Not counted in ClinVar's aggregate classification.

Dr. Peter K. Rogan Lab, Western University
No classification provided (evidence only). Condition: Malignant tumor of esophagus. Review status: no classification provided. Collection method: in vitro. Allele origin: not applicable. Functional consequence: retained intron. Not counted in ClinVar's aggregate classification.

Dr. Peter K. Rogan Lab, Western University
No classification provided (evidence only). Condition: Malignant tumor of esophagus. Review status: no classification provided. Collection method: in vitro. Allele origin: not applicable. Functional consequence: retained intron. Not counted in ClinVar's aggregate classification.

Dr. Peter K. Rogan Lab, Western University
No classification provided (evidence only). Condition: Malignant tumor of esophagus. Review status: no classification provided. Collection method: in vitro. Allele origin: not applicable. Functional consequence: retained intron. Not counted in ClinVar's aggregate classification.

Genome Diagnostics Laboratory, Amsterdam University Medical Center
Classification: Likely benign. Review status: no assertion criteria provided. Collection method: clinical testing. Allele origin: germline. Affected: yes. Study: VKGL Data-share Consensus. Not counted in ClinVar's aggregate classification.

Laboratory of Diagnostic Genome Analysis, Leiden University Medical Center (LUMC)
Classification: Likely benign. Review status: no assertion criteria provided. Collection method: clinical testing. Allele origin: germline. Affected: yes. Study: VKGL Data-share Consensus. Not counted in ClinVar's aggregate classification.